The following is an entry in ClinVar:

NM_001363066.2(CLDN5):c.514G>A (p.Ala172Thr)

Gene: CLDN5 (claudin 5; minus strand). Cytogenetic location: 22q11.21.
Variant type: single nucleotide variant.
Coding change: c.514G>A on transcript NM_001363066.2 (MANE Select); coding-DNA position 514, G replaced by A.
Protein change: p.Ala172Thr; replaces alanine 172 with threonine.
Molecular consequence: missense variant.
Genome position (GRCh38, 1-based): chr22:19,523,742, C>T on the plus strand (G>A on the coding strand, the complement: CLDN5 is on the minus strand). VCF-style: chr22-19523742-C-T. GRCh37 (hg19) VCF-style: chr22-19511265-C-T.
Other names: c.769G>A, p.Ala257Thr (NM_001130861.1, NM_001363067.2, NM_003277.4); short protein forms A172T, A257T.
Identifiers: ClinVar variation 4980120 (VCV004980120.1).

ClinVar aggregate classification (germline): Likely benign (1 of 4 stars; one submission).

Conditions:
CLDN5-related condition.

gnomAD v4.1: 133 of 1,604,538 alleles (0.0083%); highest among the groups gnomAD compares: East Asian, 0.25%; no homozygotes.

Submission:

PreventionGenetics, part of Exact Sciences
Classification: Likely benign for CLDN5-related condition. Last evaluated: 2025-07-10. Review status: criteria provided, single submitter. Criteria: ACMG Guidelines, 2015. Collection method: clinical testing. Allele origin: germline.
Comment: This variant is classified as likely benign based on ACMG/AMP sequence variant interpretation guidelines (Richards et al. 2015 PMID: 25741868, with internal and published modifications).